The following is an entry in ClinVar:

ClinVar aggregate classification (germline): Uncertain significance (1 of 4 stars; one submission).

gnomAD v4.1: 9 of 1,324,536 alleles (0.00068%); highest among the groups gnomAD compares: African/African-American, 0.003%; no homozygotes.

Submission:

Labcorp Genetics (formerly Invitae), Labcorp
Classification: Uncertain significance. Last evaluated: 2024-03-07. Review status: criteria provided, single submitter. Criteria: Invitae Variant Classification Sherloc (09022015). Collection method: clinical testing. Allele origin: germline.
Comment: This sequence change replaces glycine, which is neutral and non-polar, with glutamic acid, which is acidic and polar, at codon 193 of the POLE2 protein (p.Gly193Glu). This variant is not present in population databases (gnomAD no frequency). This variant has not been reported in the literature in individuals affected with POLE2-related conditions. An algorithm developed to predict the effect of missense changes on protein structure and function (PolyPhen-2) suggests that this variant is likely to be disruptive. In summary, the available evidence is currently insufficient to determine the role of this variant in disease. Therefore, it has been classified as a Variant of Uncertain Significance.

NM_002692.4(POLE2):c.578G>A (p.Gly193Glu)

Gene: POLE2 (DNA polymerase epsilon 2, accessory subunit; minus strand). Cytogenetic location: 14q21.3.
Variant type: single nucleotide variant.
Coding change: c.578G>A on transcript NM_002692.4 (MANE Select); coding-DNA position 578, G replaced by A.
Protein change: p.Gly193Glu; replaces glycine 193 with glutamic acid.
Molecular consequence: missense variant.
Genome position (GRCh38, 1-based): chr14:49,665,162, C>T on the plus strand (G>A on the coding strand, the complement: POLE2 is on the minus strand). VCF-style: chr14-49665162-C-T. GRCh37 (hg19) VCF-style: chr14-50131880-C-T.
Other names: c.500G>A, p.Gly167Glu (NM_001197330.2); c.578G>A, p.Gly193Glu (NM_001197331.3, NM_001348384.2); c.347G>A, p.Gly116Glu (NM_001348385.2); short protein forms G116E, G167E, G193E.
Identifiers: ClinVar variation 3612468 (VCV003612468.2).